The following is an entry in ClinVar:

NM_005228.5(EGFR):c.1534C>T (p.Pro512Ser)

Gene: EGFR (epidermal growth factor receptor; plus strand). Cytogenetic location: 7p11.2.
Variant type: single nucleotide variant.
Coding change: c.1534C>T on transcript NM_005228.5 (MANE Select); coding-DNA position 1534, C replaced by T.
Protein change: p.Pro512Ser; replaces proline 512 with serine.
Molecular consequence: missense variant.
Genome position (GRCh38, 1-based): chr7:55,161,534, C>T. VCF-style: chr7-55161534-C-T. GRCh37 (hg19) VCF-style: chr7-55229227-C-T.
Other names: c.1399C>T, p.Pro467Ser (NM_001346897.2, NM_001346899.2); c.1534C>T, p.Pro512Ser (NM_001346898.2, NM_201282.2, NM_201284.2); c.1375C>T, p.Pro459Ser (NM_001346900.2); c.733C>T, p.Pro245Ser (NM_001346941.2); short protein forms P512S, P467S, P245S, P459S.
Identifiers: ClinVar variation 134020 (VCV000134020.8), dbSNP rs587778248, ClinGen allele CA158438.

ClinVar aggregate classification (germline): Conflicting classifications of pathogenicity. Review status: criteria provided, conflicting classifications (1 of 4 stars). 3 submissions from 3 submitters: Uncertain significance (1); Likely benign (1). 1 of the submissions does not count toward it. Last evaluated 2025-04-09.

Conditions:
Hereditary cancer-predisposing syndrome. Also called: Tumor predisposition; Hereditary neoplastic syndrome; Neoplastic Syndromes, Hereditary; Hereditary Cancer Syndrome. Identifiers: Orphanet 140162, MedGen C0027672, MeSH D009386, MONDO:0015356.
EGFR-related lung cancer (EGFR). Identifiers: MedGen CN130014.

Allele frequency attached by ClinVar (database versions not stated): gnomAD 0.00001; gnomAD exomes 0.00001; TOPMed 0.00001; ExAC 0.00002.
gnomAD v4.1: 13 of 1,614,142 alleles (0.00081%); highest among the groups gnomAD compares: Non-Finnish European, 0.0011%; no homozygotes.

Submissions (3):

Ambry Genetics
Classification: Likely benign for Hereditary cancer-predisposing syndrome. Last evaluated: 2025-04-09. Review status: criteria provided, single submitter. Criteria: Ambry Variant Classification Scheme 2023. Collection method: clinical testing. Allele origin: germline.

Labcorp Genetics (formerly Invitae), Labcorp
Classification: Uncertain significance for EGFR-related lung cancer. Last evaluated: 2024-04-16. Review status: criteria provided, single submitter. Criteria: Invitae Variant Classification Sherloc (09022015). Collection method: clinical testing. Allele origin: germline.
Comment: This sequence change replaces proline, which is neutral and non-polar, with serine, which is neutral and polar, at codon 512 of the EGFR protein (p.Pro512Ser). This variant is present in population databases (rs587778248, gnomAD 0.002%). This variant has not been reported in the literature in individuals affected with EGFR-related conditions. ClinVar contains an entry for this variant (Variation ID: 134020). Advanced modeling of protein sequence and biophysical properties (such as structural, functional, and spatial information, amino acid conservation, physicochemical variation, residue mobility, and thermodynamic stability) performed at Invitae indicates that this missense variant is not expected to disrupt EGFR protein function with a negative predictive value of 80%. In summary, the available evidence is currently insufficient to determine the role of this variant in disease. Therefore, it has been classified as a Variant of Uncertain Significance.

ITMI
No classification provided. Condition: AllHighlyPenetrant. Last evaluated: 2013-09-19. Review status: no classification provided. Collection method: reference population. Allele origin: germline. Not counted in ClinVar's aggregate classification.
Comment: Please see associated publication for description of ethnicities

Literature cited by the submitters: PubMed 24728327 (cited by ITMI).